The following is an entry in ClinVar:

ClinVar aggregate classification (germline): Uncertain significance (1 of 4 stars; one submission).

Conditions:
Hereditary cancer-predisposing syndrome. Also called: Hereditary Cancer Syndrome; Hereditary neoplastic syndrome; Neoplastic Syndromes, Hereditary; Tumor predisposition. Identifiers: Orphanet 140162, MedGen C0027672, MeSH D009386, MONDO:0015356.

Submission:

Ambry Genetics
Classification: Uncertain significance for Hereditary cancer-predisposing syndrome. Last evaluated: 2025-10-07. Review status: criteria provided, single submitter. Criteria: Ambry Variant Classification Scheme 2023. Collection method: clinical testing. Allele origin: germline.
Comment: The p.K2670Q variant (also known as c.8008A>C), located in coding exon 53 of the ATM gene, results from an A to C substitution at nucleotide position 8008. The lysine at codon 2670 is replaced by glutamine, an amino acid with similar properties. This amino acid position is highly conserved in available vertebrate species. In addition, the in silico prediction for this alteration is inconclusive. Since supporting evidence is limited at this time, the clinical significance of this alteration remains unclear.

NM_000051.4(ATM):c.8008A>C (p.Lys2670Gln)

Genes: ATM (ATM serine/threonine kinase; plus strand), C11orf65 (chromosome 11 open reading frame 65; minus strand). Cytogenetic location: 11q22.3.
Variant type: single nucleotide variant.
Coding change: c.8008A>C on transcript NM_000051.4 (MANE Select); coding-DNA position 8008, A replaced by C.
Protein change: p.Lys2670Gln; replaces lysine 2670 with glutamine.
Molecular consequence: missense variant. On other transcripts: intron variant (2).
Genome position (GRCh38, 1-based): chr11:108,333,966, A>C. VCF-style: chr11-108333966-A-C. GRCh37 (hg19) VCF-style: chr11-108204693-A-C.
Other names: c.8008A>C, p.Lys2670Gln (NM_001351834.2); c.641-24895T>G (NM_001330368.2); c.*38+1254T>G (NM_001351110.2); short protein forms K2670Q.
Identifiers: ClinVar variation 2568239 (VCV002568239.2), dbSNP rs2086557212, ClinGen allele CA382561813.